The following is an entry in ClinVar:

NM_006648.4(WNK2):c.3748A>T (p.Met1250Leu)

Gene: WNK2 (WNK lysine deficient protein kinase 2; plus strand). Cytogenetic location: 9q22.31.
Variant type: single nucleotide variant.
Coding change: c.3748A>T on transcript NM_006648.4 (MANE Select); coding-DNA position 3748, A replaced by T.
Protein change: p.Met1250Leu; replaces methionine 1250 with leucine.
Molecular consequence: missense variant.
Genome position (GRCh38, 1-based): chr9:93,267,797, A>T. VCF-style: chr9-93267797-A-T. GRCh37 (hg19) VCF-style: chr9-96030079-A-T.
Other names: c.3748A>T, p.Met1250Leu (NM_001282394.3); short protein forms M1250L.
Identifiers: ClinVar variation 3981973 (VCV003981973.1).

ClinVar aggregate classification (germline): Uncertain significance (1 of 4 stars; one submission).

Submission:

Ambry Genetics
Classification: Uncertain significance. Last evaluated: 2025-05-02. Review status: criteria provided, single submitter. Criteria: Ambry Variant Classification Scheme 2023. Collection method: clinical testing. Allele origin: germline.
Comment: The p.M1250L variant (also known as c.3748A>T), located in coding exon 16 of the WNK2 gene, results from an A to T substitution at nucleotide position 3748. The methionine at codon 1250 is replaced by leucine, an amino acid with highly similar properties. This amino acid position is conserved. In addition, this alteration is predicted to be tolerated by in silico analysis. Based on the available evidence, the clinical significance of this variant remains unclear.